The following is an entry in ClinVar:

NM_173630.4(RTTN):c.1067T>C (p.Met356Thr)

Gene: RTTN (rotatin; minus strand). Cytogenetic location: 18q22.2.
Variant type: single nucleotide variant.
Coding change: c.1067T>C on transcript NM_173630.4 (MANE Select); coding-DNA position 1067, T replaced by C.
Protein change: p.Met356Thr; replaces methionine 356 with threonine.
Molecular consequence: missense variant. On other transcripts: 5 prime UTR variant (1).
Genome position (GRCh38, 1-based): chr18:70,190,660, A>G on the plus strand (T>C on the coding strand, the complement: RTTN is on the minus strand). VCF-style: chr18-70190660-A-G. GRCh37 (hg19) VCF-style: chr18-67857896-A-G.
Other names: c.-1487T>C (NM_001318520.2); short protein forms M356T.
Identifiers: ClinVar variation 931427 (VCV000931427.3), dbSNP rs776381467, ClinGen allele CA8996271.

ClinVar aggregate classification (germline): Uncertain significance (1 of 4 stars; one submission).

Conditions:
Microcephalic primordial dwarfism due to RTTN deficiency (MSSP). Also called: MICROCEPHALY, SHORT STATURE, AND POLYMICROGYRIA; Microcephaly, short stature, and polymicrogyria with or without seizures. Identifiers: Orphanet 468631, MedGen C3553831, MONDO:0018764, OMIM 614833.

Allele frequency attached by ClinVar (database versions not stated): gnomAD exomes below 0.00001 and 0.00001; ExAC 0.00002.
gnomAD v4.1: 6 of 1,613,644 alleles (0.00037%); highest among the groups gnomAD compares: East Asian, 0.0045%; no homozygotes.

Submission:

Centre for Mendelian Genomics, University Medical Centre Ljubljana
Classification: Uncertain significance for Microcephalic primordial dwarfism due to RTTN deficiency. Last evaluated: 2019-01-22. Review status: criteria provided, single submitter. Criteria: ACMG Guidelines, 2015. Collection method: clinical testing. Allele origin: unknown. Affected: yes.
Comment: This variant was classified as: Uncertain significance. The available evidence on this variant's pathogenicity is insufficient or conflicting. The following ACMG criteria were applied in classifying this variant: PM2.